The following is an entry in ClinVar:

ClinVar aggregate classification (germline): Uncertain significance. Review status: criteria provided, multiple submitters, no conflicts (2 of 4 stars). 4 submissions from 4 submitters: Uncertain significance (4). Last evaluated 2025-06-01.

Conditions:
Inborn genetic diseases. Identifiers: MedGen C0950123, MeSH D030342.
Seizures, benign familial infantile, 3 (BFIS3). Also called: Familial neonatal seizures; CONVULSIONS, BENIGN FAMILIAL INFANTILE, 3. Identifiers: Orphanet 140927, Orphanet 306, MedGen C1843140, MONDO:0011904, OMIM 607745.
Developmental and epileptic encephalopathy, 11 (DEE11). Also called: Early infantile epileptic encephalopathy 11. Identifiers: Orphanet 1934, MedGen C3150987, MONDO:0013388, OMIM 613721.

Allele frequency attached by ClinVar (database versions not stated): gnomAD 0.00001; gnomAD exomes 0.00001 and 0.00002; ExAC 0.00002; TOPMed 0.00002.
gnomAD v4.1: 15 of 1,614,120 alleles (0.00093%); highest among the groups gnomAD compares: Middle Eastern, 0.033%; no homozygotes.

Submissions (4):

CeGaT Center for Human Genetics Tuebingen
Classification: Uncertain significance. Last evaluated: 2025-06-01. Review status: criteria provided, single submitter. Criteria: CeGaT Center For Human Genetics Tuebingen Variant Classification Criteria Version 2. Collection method: clinical testing. Allele origin: germline. Affected: yes. Observed: 1 variant allele.
Comment: SCN2A: PP2

Labcorp Genetics (formerly Invitae), Labcorp
Classification: Uncertain significance for Seizures, benign familial infantile, 3; Developmental and epileptic encephalopathy, 11. Last evaluated: 2024-11-18. Review status: criteria provided, single submitter. Criteria: Invitae Variant Classification Sherloc (09022015). Collection method: clinical testing. Allele origin: germline.
Comment: This sequence change replaces asparagine, which is neutral and polar, with serine, which is neutral and polar, at codon 916 of the SCN2A protein (p.Asn916Ser). This variant is present in population databases (rs763684457, gnomAD 0.003%). This variant has not been reported in the literature in individuals affected with SCN2A-related conditions. ClinVar contains an entry for this variant (Variation ID: 959426). Invitae Evidence Modeling of protein sequence and biophysical properties (such as structural, functional, and spatial information, amino acid conservation, physicochemical variation, residue mobility, and thermodynamic stability) indicates that this missense variant is not expected to disrupt SCN2A protein function with a negative predictive value of 95%. In summary, the available evidence is currently insufficient to determine the role of this variant in disease. Therefore, it has been classified as a Variant of Uncertain Significance.

Ambry Genetics
Classification: Uncertain significance for Inborn genetic diseases. Last evaluated: 2024-03-07. Review status: criteria provided, single submitter. Criteria: Ambry Variant Classification Scheme 2023. Collection method: clinical testing. Allele origin: germline.

GeneDx
Classification: Uncertain significance. Last evaluated: 2019-12-04. Review status: criteria provided, single submitter. Criteria: GeneDx Variant Classification Process June 2021. Collection method: clinical testing. Allele origin: germline. Affected: yes.
Comment: Not observed at a significant frequency in large population cohorts (Lek et al., 2016); The majority of missense variants in this gene are considered pathogenic (Stenson et al., 2014); In silico analysis, which includes protein predictors and evolutionary conservation, supports that this variant does not alter protein structure/function; Has not been previously published as pathogenic or benign to our knowledge; This substitution is predicted to be within the extracellular loop between the S5 and S6 transmembrane segments of the second homologous domain

NM_001040142.2(SCN2A):c.2747A>G (p.Asn916Ser)

Gene: SCN2A (sodium voltage-gated channel alpha subunit 2; plus strand). Cytogenetic location: 2q24.3.
Variant type: single nucleotide variant.
Coding change: c.2747A>G on transcript NM_001040142.2 (MANE Select); coding-DNA position 2747, A replaced by G.
Protein change: p.Asn916Ser; replaces asparagine 916 with serine.
Molecular consequence: missense variant.
Genome position (GRCh38, 1-based): chr2:165,344,739, A>G. VCF-style: chr2-165344739-A-G. GRCh37 (hg19) VCF-style: chr2-166201249-A-G.
Other names: c.2747A>G, p.Asn916Ser (NM_001040143.2, NM_001371246.1, NM_001371247.1 and 1 more transcripts); short protein forms N916S.
Identifiers: ClinVar variation 959426 (VCV000959426.22), dbSNP rs763684457, ClinGen allele CA1940017.
Genomic context (GRCh38, chr2:165,344,739, plus strand): 5'-CTGTGGTCGGCATGCAGCTCTTTGGTAAGAGCTACAAAGAATGTGTCTGCAAGATTTCCA[A>G]TGATTGTGAACTCCCACGCTGGCACATGCATGACTTTTTCCACTCCTTCCTGATCGTGTT-3'
Protein context (NP_001035232.1, residues 906-926): SYKECVCKIS[Asn916Ser]DCELPRWHMH